The following is an entry in ClinVar:

ClinVar aggregate classification (germline): Likely pathogenic (3 of 4 stars; one submission).

Conditions:
Autosomal recessive limb-girdle muscular dystrophy. Identifiers: Orphanet 102015, MedGen C2931907, MONDO:0015152.

gnomAD v4.1: 1 of 1,614,142 alleles (0.000062%); no homozygotes.

Submission:

ClinGen Limb Girdle Muscular Dystrophy Variant Curation Expert Panel, ClinGen
Classification: Likely pathogenic for Autosomal recessive limb-girdle muscular dystrophy. Last evaluated: 2025-03-04. Review status: reviewed by expert panel. Criteria: ClinGen LGMD VCEP ACMG Specifications DYSF V1.0.0. Collection method: curation. Allele origin: germline. Inheritance: Autosomal recessive inheritance.
Comment: The NM_003494.4: c.1004G>A variant in DYSF, which is also known as NM_001130987.2: c.1100G>A p.(Gly367Asp), is a missense variant predicted to cause substitution of glycine to aspartic acid at amino acid 335, p.(Gly335Asp). This variant has been reported in two patients with dysferlinopathy (PMID: 26088049, 32400077), including in a confirmed trans phase with a pathogenic variant (c.4497del p.(Phe1499LeufsTer4), 1.0 pt, PMID: 26088049) (PM3). At least one of these patients with a second presumed diagnostic DYSF variant and a clinical diagnosis of LGMD displayed absent dysferlin protein expression, which is highly specific for DYSF-related LGMD (PMID: 26088049) (PP4_Strong). The highest minor allele frequency for this variant is 0.00001562 (1/64034 alleles) in the European (Finnish) population in gnomAD v4.1.0, which is less than the VCEP threshold of 0.0001 (PM2_Supporting). The computational predictor REVEL gives a score of 0.95, which is above the LGMD VCEP threshold of ≥0.70, evidence that correlates with impact to DYSF function (PP3). In summary, this variant meets the criteria to be classified as Likely Pathogenic for autosomal recessive limb girdle muscular dystrophy based on the ACMG/AMP criteria applied, as specified by the ClinGen LGMD VCEP (LGMD VCEP specifications version 1.0.0; 03/04/2025): PM2_Supporting, PM3, PP4_Strong, PP3.

NM_001130987.2(DYSF):c.1100G>A (p.Gly367Asp)

Gene: DYSF (dysferlin; plus strand). Cytogenetic location: 2p13.2.
Variant type: single nucleotide variant.
Coding change: c.1100G>A on transcript NM_001130987.2 (MANE Select); coding-DNA position 1100, G replaced by A.
Protein change: p.Gly367Asp; replaces glycine 367 with aspartic acid.
Molecular consequence: missense variant.
Genome position (GRCh38, 1-based): chr2:71,520,855, G>A. VCF-style: chr2-71520855-G-A. GRCh37 (hg19) VCF-style: chr2-71747985-G-A.
Other names: NM_003494.4:c.1004G>A; c.1007G>A, p.Gly336Asp (NM_001130455.2, NM_001130983.2, NM_001130984.2 and 1 more transcripts); c.1004G>A, p.Gly335Asp (NM_001130976.2, NM_001130977.2, NM_001130978.2 and 1 more transcripts); c.1097G>A, p.Gly366Asp (NM_001130979.2, NM_001130980.2, NM_001130981.2); c.1100G>A, p.Gly367Asp (NM_001130982.2, NM_001130985.2); short protein forms G335D, G336D, G366D, G367D.
Identifiers: ClinVar variation 3775112 (VCV003775112.1).